The following is an entry in ClinVar:

ClinVar aggregate classification (germline): Uncertain significance (1 of 4 stars; one submission).

Conditions:
Marfan syndrome (MFS). Also called: Marfan syndrome type 1; Marfan's syndrome; FBN1-Related Marfan Syndrome; MARFAN SYNDROME, TYPE I; Marfan syndrome, classic. Identifiers: Orphanet 284963, Orphanet 558, MedGen C0024796, MONDO:0007947, OMIM 154700.
Familial thoracic aortic aneurysm and aortic dissection (TAAD). Also called: Thoracic aortic aneurysms and dissections. Identifiers: Orphanet 91387, MedGen C4707243, MONDO:0019625.

Submission:

Labcorp Genetics (formerly Invitae), Labcorp
Classification: Uncertain significance for Marfan syndrome; Familial thoracic aortic aneurysm and aortic dissection. Last evaluated: 2025-02-18. Review status: criteria provided, single submitter. Criteria: Invitae Variant Classification Sherloc (09022015). Collection method: clinical testing. Allele origin: germline.
Comment: This sequence change replaces glycine, which is neutral and non-polar, with cysteine, which is neutral and slightly polar, at codon 633 of the FBN1 protein (p.Gly633Cys). This variant is not present in population databases (gnomAD no frequency). This missense change has been observed in individual(s) with Marfan syndrome (internal data). ClinVar contains an entry for this variant (Variation ID: 1366814). Invitae Evidence Modeling of protein sequence and biophysical properties (such as structural, functional, and spatial information, amino acid conservation, physicochemical variation, residue mobility, and thermodynamic stability) indicates that this missense variant is expected to disrupt FBN1 protein function with a positive predictive value of 95%. In summary, the available evidence is currently insufficient to determine the role of this variant in disease. Therefore, it has been classified as a Variant of Uncertain Significance.

NM_000138.5(FBN1):c.1897G>T (p.Gly633Cys)

Gene: FBN1 (fibrillin 1; minus strand). Cytogenetic location: 15q21.1.
Variant type: single nucleotide variant.
Coding change: c.1897G>T on transcript NM_000138.5 (MANE Select); coding-DNA position 1897, G replaced by T.
Protein change: p.Gly633Cys; replaces glycine 633 with cysteine.
Molecular consequence: missense variant.
Genome position (GRCh38, 1-based): chr15:48,505,088, C>A on the plus strand (G>T on the coding strand, the complement: FBN1 is on the minus strand). VCF-style: chr15-48505088-C-A. GRCh37 (hg19) VCF-style: chr15-48797285-C-A.
Other names: short protein forms G633C.
Identifiers: ClinVar variation 1366814 (VCV001366814.8), dbSNP rs2141317297, ClinGen allele CA392339083.